The following is an entry in ClinVar:

NM_000503.6(EYA1):c.1475+1G>C

Gene: EYA1 (EYA transcriptional coactivator and phosphatase 1; minus strand). Cytogenetic location: 8q13.3.
Variant type: single nucleotide variant.
Coding change: c.1475+1G>C on transcript NM_000503.6 (MANE Select); the canonical splice donor site of the intron after coding-DNA position 1475, G replaced by C.
Molecular consequence: splice donor variant.
Genome position (GRCh38, 1-based): chr8:71,215,613, C>G on the plus strand (G>C on the coding strand, the complement: EYA1 is on the minus strand). VCF-style: chr8-71215613-C-G. GRCh37 (hg19) VCF-style: chr8-72127848-C-G.
Other names: c.1454+1G>C (NM_001370336.1); c.1562+1G>C (NM_001370333.1); c.1475+1G>C (NM_001370335.1, NM_001370334.1, NM_172058.4); c.1457+1G>C (NM_172059.5, NM_001288574.2); c.1376+1G>C (NM_001411797.1, NM_172060.4); c.1109+1G>C (NM_001288575.2).
Identifiers: ClinVar variation 163427 (VCV000163427.5), dbSNP rs727503042, ClinGen allele CA273152.
Genomic context (GRCh38, chr8:71,215,613, plus strand): 5'-CCAAAATGAACAAGCACGAGCATTGCCCATTTCCTGGCAAAGACCCCGCAGAGAGCCTCA[C>G]CGGGAGTGAATGAGCGAGAGTGCTTTCAGGGCCAGTGTCAACCAGGAGTCGGTCAGGGCT-3'

ClinVar aggregate classification (germline): Pathogenic. Review status: criteria provided, multiple submitters, no conflicts (2 of 4 stars). 2 submissions from 2 submitters: Pathogenic (2). Last evaluated 2021-07-13.

Conditions:
Rare genetic deafness. Identifiers: Orphanet 96210, MedGen C5680250.
Otofaciocervical syndrome 1 (OTFCS). Identifiers: MedGen C3714941, MONDO:0024532, OMIM 166780.
Branchiootorenal syndrome 1. Also called: Branchio-Oto-Renal Syndrome 1. Identifiers: Orphanet 107, MedGen C4551702, MONDO:0007236, OMIM 113650.
Branchiootic syndrome 1 (BOS1). Also called: BO SYNDROME 1; BRANCHIOOTIC DYSPLASIA. Identifiers: MedGen C1865143, MONDO:0011258, OMIM 602588.

Submissions (2):

Fulgent Genetics
Classification: Pathogenic for Branchiootorenal syndrome 1; Otofaciocervical syndrome 1; Branchiootic syndrome 1. Last evaluated: 2021-07-13. Review status: criteria provided, single submitter. Criteria: ACMG Guidelines, 2015. Collection method: clinical testing. Allele origin: unknown.

Laboratory for Molecular Medicine, Mass General Brigham Personalized Medicine
Classification: Pathogenic for Rare genetic deafness. Last evaluated: 2014-02-17. Review status: criteria provided, single submitter. Criteria: LMM Criteria. Collection method: clinical testing. Allele origin: germline. Inheritance: Autosomal dominant inheritance. Observed: 1 variant allele.
Comment: The 1475+1G>C variant in EYA1 has been previously reported in one individual wit h Branchio-oto-renal syndrome (BOR) (Gigante 2013). This variant occurs in the i nvariant region (+/- 1/2) of the splice consensus sequence. Analysis of cDNA fro m the reported individual displayed aberrant splicing leading to exon 15 skippin g, which is predicted to lead to a truncated protein (Gigante 2013). In summary, this variant meets our criteria to be classified as pathogenic.

Literature cited by the submitters: PubMed 23506628 (cited by Laboratory for Molecular Medicine, Mass General Brigham Personalized Medicine).